The following is an entry in ClinVar:

ClinVar aggregate classification (germline): Conflicting classifications of pathogenicity. Review status: criteria provided, conflicting classifications (1 of 4 stars). 5 submissions from 5 submitters: Uncertain significance (4); Likely benign (1). Last evaluated 2024-04-06.

Conditions:
Hereditary cancer-predisposing syndrome. Also called: Hereditary Cancer Syndrome; Hereditary neoplastic syndrome; Neoplastic Syndromes, Hereditary; Tumor predisposition. Identifiers: Orphanet 140162, MedGen C0027672, MeSH D009386, MONDO:0015356.
Intellectual disability, autosomal dominant 16 (CSS4). Also called: COFFIN-SIRIS SYNDROME 4. Identifiers: Orphanet 1465, MedGen C3553249, MONDO:0013821, OMIM 614609.
Rhabdoid tumor predisposition syndrome 2 (RTPS2). Identifiers: Orphanet 231108, Orphanet 69077, MedGen C2750074, MONDO:0013224, OMIM 613325.

Allele frequency attached by ClinVar (database versions not stated): gnomAD exomes 0.00001.
gnomAD v4.1: 10 of 1,612,396 alleles (0.00062%); highest among the groups gnomAD compares: Non-Finnish European, 0.00068%; no homozygotes.

Submissions (5):

Labcorp Genetics (formerly Invitae), Labcorp
Classification: Uncertain significance for Rhabdoid tumor predisposition syndrome 2. Last evaluated: 2024-04-06. Review status: criteria provided, single submitter. Criteria: Invitae Variant Classification Sherloc (09022015). Collection method: clinical testing. Allele origin: germline.
Comment: This sequence change replaces proline, which is neutral and non-polar, with leucine, which is neutral and non-polar, at codon 18 of the SMARCA4 protein (p.Pro18Leu). This variant is not present in population databases (gnomAD no frequency). This variant has not been reported in the literature in individuals affected with SMARCA4-related conditions. ClinVar contains an entry for this variant (Variation ID: 408656). Advanced modeling of protein sequence and biophysical properties (such as structural, functional, and spatial information, amino acid conservation, physicochemical variation, residue mobility, and thermodynamic stability) has been performed at Invitae for this missense variant, however the output from this modeling did not meet the statistical confidence thresholds required to predict the impact of this variant on SMARCA4 protein function. In summary, the available evidence is currently insufficient to determine the role of this variant in disease. Therefore, it has been classified as a Variant of Uncertain Significance.

Sema4
Classification: Uncertain significance for Hereditary cancer-predisposing syndrome. Last evaluated: 2022-01-04. Review status: criteria provided, single submitter. Criteria: Sema4 Curation Guidelines. Collection method: curation. Allele origin: germline.
Comment: The SMARCA4 c.53C>T (p.P18L) variant has not been reported in the literature to our knowledge. This variant has not been reported in the large and broad cohorts of the Genome Aggregation Database (PMID: 32461654). The variant has been reported in ClinVar (Variation ID 408656). Functional studies have not been performed, and in silico predictions of the variant's effect on protein function are inconclusive. The evidence is insufficient to meet ACMG/AMP criteria for classifying the variant as benign or pathogenic. Thus, the clinical significance of this variant is currently uncertain.

Genome-Nilou Lab
Classification: Uncertain significance for Intellectual disability, autosomal dominant 16. Last evaluated: 2021-07-15. Review status: criteria provided, single submitter. Criteria: ACMG Guidelines, 2015. Collection method: clinical testing. Allele origin: germline. Affected: no.

Ambry Genetics
Classification: Likely benign for Hereditary cancer-predisposing syndrome. Last evaluated: 2021-06-18. Review status: criteria provided, single submitter. Criteria: Ambry Variant Classification Scheme 2023. Collection method: clinical testing. Allele origin: germline.

GeneDx
Classification: Uncertain significance. Last evaluated: 2020-02-06. Review status: criteria provided, single submitter. Criteria: GeneDx Variant Classification Process June 2021. Collection method: clinical testing. Allele origin: germline. Affected: yes.
Comment: Not observed in large population cohorts (Lek et al., 2016); In silico analysis supports that this missense variant has a deleterious effect on protein structure/function; Has not been previously published as pathogenic or benign to our knowledge

NM_003072.5(SMARCA4):c.53C>T (p.Pro18Leu)

Gene: SMARCA4 (SWI/SNF related BAF chromatin remodeling complex subunit ATPase 4; plus strand). Cytogenetic location: 19p13.2.
Variant type: single nucleotide variant.
Coding change: c.53C>T on transcript NM_003072.5 (MANE Select); coding-DNA position 53, C replaced by T.
Protein change: p.Pro18Leu; replaces proline 18 with leucine.
Molecular consequence: missense variant. On other transcripts: non-coding transcript variant (1).
Genome position (GRCh38, 1-based): chr19:10,984,204, C>T. VCF-style: chr19-10984204-C-T. GRCh37 (hg19) VCF-style: chr19-11094880-C-T.
Other names: c.53C>T, p.Pro18Leu (NM_001128844.3, NM_001128845.2, NM_001128846.2 and 5 more transcripts); short protein forms P18L.
Identifiers: ClinVar variation 408656 (VCV000408656.16), dbSNP rs1060502087, ClinGen allele CA16615866.